The following is an entry in ClinVar:

ClinVar aggregate classification (germline): Uncertain significance (1 of 4 stars; one submission).

Conditions:
Familial hypercholesterolemia. Also called: Familial hypercholesterolaemia. Identifiers: MedGen C0020445, MONDO:0005439.

Submission:

Color Diagnostics, LLC DBA Color Health
Classification: Uncertain significance for Familial hypercholesterolemia. Last evaluated: 2025-05-20. Review status: criteria provided, single submitter. Criteria: ACMG Guidelines, 2015. Collection method: clinical testing. Allele origin: germline.
Comment: This variant causes a G to A nucleotide substitution at the +3 position of intron 9 of the PCSK9 gene. To our knowledge, functional studies have not been reported for this variant. This variant has not been reported in individuals affected with PCSK9-related disorders in the literature. This variant has not been identified in the general population by the Genome Aggregation Database (gnomAD). The available evidence is insufficient to determine the role of this variant in disease conclusively. Therefore, this variant is classified as a Variant of Uncertain Significance.

NM_174936.4(PCSK9):c.1503+3G>A

Gene: PCSK9 (proprotein convertase subtilisin/kexin type 9; plus strand). Cytogenetic location: 1p32.3.
Variant type: single nucleotide variant.
Coding change: c.1503+3G>A on transcript NM_174936.4 (MANE Select); 3 bases into the intron after coding-DNA position 1503, G replaced by A.
Molecular consequence: intron variant.
Genome position (GRCh38, 1-based): chr1:55,058,650, G>A. VCF-style: chr1-55058650-G-A. GRCh37 (hg19) VCF-style: chr1-55524323-G-A.
Other names: c.1128+3G>A (NM_001407246.1); c.1626+3G>A (NM_001407240.1); c.1506+3G>A (NM_001407242.1); c.1503+3G>A (NM_001407241.1); c.1329+3G>A (NM_001407244.1); c.1180+1136G>A (NM_001407247.1); c.1446+3G>A (NM_001407243.1); c.1311+3G>A (NM_001407245.1).
Identifiers: ClinVar variation 4758740 (VCV004758740.1).